The following is an entry in ClinVar:

ClinVar aggregate classification (germline): Benign. Review status: criteria provided, multiple submitters, no conflicts (2 of 4 stars). 2 submissions from 2 submitters: Benign (2). Last evaluated 2018-01-13.

Conditions:
Nephronophthisis-like nephropathy 1 (NPHPL1). Identifiers: Orphanet 655, MedGen C3150419, MONDO:0013163, OMIM 613159.

Allele frequency attached by ClinVar (database versions not stated): gnomAD 0.05346 and 0.05737; 1000 Genomes Project 0.05491; 1000 Genomes Project 30x 0.05793; TOPMed 0.05956.

Submissions (2):

Illumina Laboratory Services, Illumina
Classification: Benign for Nephronophthisis-like nephropathy 1. Last evaluated: 2018-01-13. Review status: criteria provided, single submitter. Criteria: ICSL Variant Classification Criteria 13 December 2019. Collection method: clinical testing. Allele origin: germline.
Comment: This variant was observed in the ICSL laboratory as part of a predisposition screen in an ostensibly healthy population. It had not been previously curated by ICSL or reported in the Human Gene Mutation Database (HGMD: prior to June 1st, 2018), and was therefore a candidate for classification through an automated scoring system. Utilizing variant allele frequency, disease prevalence and penetrance estimates, and inheritance mode, an automated score was calculated to assess if this variant is too frequent to cause the disease. Based on the score and internal cut-off values, a variant classified as benign is not then subjected to further curation. The score for this variant resulted in a classification of benign for this disease.

Breakthrough Genomics
Classification: Benign. Review status: criteria provided, single submitter. Criteria: ACMG Guidelines, 2015. Collection method: not provided. Allele origin: germline. Inheritance: Autosomal recessive inheritance. Affected: yes.

NM_022098.4(XPNPEP3):c.*3366C>T

Gene: XPNPEP3 (X-prolyl aminopeptidase 3; plus strand). Cytogenetic location: 22q13.2.
Variant type: single nucleotide variant.
Coding change: c.*3366C>T on transcript NM_022098.4 (MANE Select); 3366 bases downstream of the stop codon, C replaced by T.
Molecular consequence: 3 prime UTR variant.
Genome position (GRCh38, 1-based): chr22:40,929,801, C>T. VCF-style: chr22-40929801-C-T. GRCh37 (hg19) VCF-style: chr22-41325805-C-T.
Identifiers: ClinVar variation 341733 (VCV000341733.6), dbSNP rs12168248, ClinGen allele CA10653526.